The following is an entry in ClinVar:

NM_001291303.3(FAT4):c.11210G>A (p.Arg3737His)

Gene: FAT4 (FAT atypical cadherin 4; plus strand). Cytogenetic location: 4q28.1.
Variant type: single nucleotide variant.
Coding change: c.11210G>A on transcript NM_001291303.3 (MANE Select); coding-DNA position 11210, G replaced by A.
Protein change: p.Arg3737His; replaces arginine 3737 with histidine.
Molecular consequence: missense variant.
Genome position (GRCh38, 1-based): chr4:125,452,220, G>A. VCF-style: chr4-125452220-G-A. GRCh37 (hg19) VCF-style: chr4-126373375-G-A.
Other names: c.11210G>A, p.Arg3737His (NM_001291285.3); c.11204G>A, p.Arg3735His (NM_024582.6); short protein forms R3737H, R3735H.
Identifiers: ClinVar variation 1997631 (VCV001997631.4), dbSNP rs769007827, ClinGen allele CA3073812.

ClinVar aggregate classification (germline): Uncertain significance. Review status: criteria provided, multiple submitters, no conflicts (2 of 4 stars). 2 submissions from 2 submitters: Uncertain significance (2). Last evaluated 2024-10-16.

Allele frequency attached by ClinVar (database versions not stated): ExAC 0.00001; gnomAD 0.00001; gnomAD exomes 0.00001.
gnomAD v4.1: 10 of 1,614,078 alleles (0.00062%); highest among the groups gnomAD compares: East Asian, 0.0022%; no homozygotes.

Submissions (2):

Labcorp Genetics (formerly Invitae), Labcorp
Classification: Uncertain significance. Last evaluated: 2024-10-16. Review status: criteria provided, single submitter. Criteria: Invitae Variant Classification Sherloc (09022015). Collection method: clinical testing. Allele origin: germline.
Comment: This sequence change replaces arginine, which is basic and polar, with histidine, which is basic and polar, at codon 3735 of the FAT4 protein (p.Arg3735His). This variant is present in population databases (rs769007827, gnomAD 0.006%). This variant has not been reported in the literature in individuals affected with FAT4-related conditions. ClinVar contains an entry for this variant (Variation ID: 1997631). Invitae Evidence Modeling of protein sequence and biophysical properties (such as structural, functional, and spatial information, amino acid conservation, physicochemical variation, residue mobility, and thermodynamic stability) indicates that this missense variant is not expected to disrupt FAT4 protein function with a negative predictive value of 95%. In summary, the available evidence is currently insufficient to determine the role of this variant in disease. Therefore, it has been classified as a Variant of Uncertain Significance.

Blueprint Genetics
Classification: Uncertain significance. Last evaluated: 2024-08-27. Review status: criteria provided, single submitter. Criteria: ACMG Guidelines, 2015. Collection method: clinical testing. Allele origin: germline.